The following is an entry in ClinVar:

ClinVar aggregate classification (germline): Uncertain significance (1 of 4 stars; one submission).

Conditions:
Autosomal dominant epilepsy with auditory features. Identifiers: Orphanet 101046, MedGen C1838062, MONDO:0010898.

Submission:

Labcorp Genetics (formerly Invitae), Labcorp
Classification: Uncertain significance for Autosomal dominant epilepsy with auditory features. Last evaluated: 2020-10-08. Review status: criteria provided, single submitter. Criteria: Invitae Variant Classification Sherloc (09022015). Collection method: clinical testing. Allele origin: germline.
Comment: In summary, the available evidence is currently insufficient to determine the role of this variant in disease. Therefore, it has been classified as a Variant of Uncertain Significance. Nucleotide substitutions within the consensus splice site are a relatively common cause of aberrant splicing (PMID: 17576681, 9536098). Algorithms developed to predict the effect of sequence changes on RNA splicing suggest that this variant may disrupt the consensus splice site, but this prediction has not been confirmed by published transcriptional studies. This variant has not been reported in the literature in individuals with LGI1-related conditions. This variant is not present in population databases (ExAC no frequency). This sequence change falls in intron 4 of the LGI1 gene. It does not directly change the encoded amino acid sequence of the LGI1 protein, but it affects a nucleotide within the consensus splice site of the intron.

Literature cited by the submitters: PubMed 17576681; PubMed 9536098.

NM_005097.4(LGI1):c.431+5G>A

Gene: LGI1 (leucine rich glioma inactivated 1; plus strand). Cytogenetic location: 10q23.33.
Variant type: single nucleotide variant.
Coding change: c.431+5G>A on transcript NM_005097.4 (MANE Select); 5 bases into the intron after coding-DNA position 431, G replaced by A.
Molecular consequence: intron variant.
Genome position (GRCh38, 1-based): chr10:93,777,622, G>A. VCF-style: chr10-93777622-G-A. GRCh37 (hg19) VCF-style: chr10-95537379-G-A.
Other names: c.431+5G>A (NM_001308275.2); c.288-12477G>A (NM_001308276.2).
Identifiers: ClinVar variation 1058739 (VCV001058739.8), dbSNP rs2134001469, ClinGen allele CA2499220507.